The following is an entry in ClinVar:

NM_014233.4(UBTF):c.260A>T (p.Glu87Val)

Genes: ATXN7L3-AS1 (ATXN7L3 antisense RNA 1; plus strand), UBTF (upstream binding transcription factor; minus strand). Cytogenetic location: 17q21.31.
Variant type: single nucleotide variant.
Coding change: c.260A>T on transcript NM_014233.4 (MANE Select); coding-DNA position 260, A replaced by T.
Protein change: p.Glu87Val; replaces glutamic acid 87 with valine.
Molecular consequence: missense variant. On other transcripts: non-coding transcript variant (1).
Genome position (GRCh38, 1-based): chr17:44,215,964, T>A on the plus strand (A>T on the coding strand, the complement: UBTF is on the minus strand). VCF-style: chr17-44215964-T-A. GRCh37 (hg19) VCF-style: chr17-42293332-T-A.
Other names: c.260A>T, p.Glu87Val (NM_001076683.2, NM_001076684.3); short protein forms E87V.
Identifiers: ClinVar variation 4195372 (VCV004195372.2).

ClinVar aggregate classification (germline): Uncertain significance (1 of 4 stars; one submission).

Conditions:
Inborn genetic diseases. Identifiers: MedGen C0950123, MeSH D030342.

Submission:

Ambry Genetics
Classification: Uncertain significance for Inborn genetic diseases. Last evaluated: 2025-10-09. Review status: criteria provided, single submitter. Criteria: Ambry Variant Classification Scheme 2023. Collection method: clinical testing. Allele origin: germline.
Comment: The c.260A>T (p.E87V) alteration is located in exon 4 (coding exon 3) of the UBTF gene. This alteration results from an A to T substitution at nucleotide position 260, causing the glutamic acid (E) at amino acid position 87 to be replaced by a valine (V). This variant was not reported in population-based cohorts in the Genome Aggregation Database (gnomAD). This amino acid position is highly conserved in available vertebrate species. This missense alteration is located in a region that has a low rate of benign missense variation (Lek, 2016; Firth, 2009). This alteration is predicted to be deleterious by in silico analysis. Based on insufficient or conflicting evidence, the clinical significance of this alteration remains unclear.